The following is an entry in ClinVar:

NM_001170535.3(ATAD3A):c.1416C>G (p.His472Gln)

Gene: ATAD3A (ATPase family AAA domain containing 3A; plus strand). Cytogenetic location: 1p36.33.
Variant type: single nucleotide variant.
Coding change: c.1416C>G on transcript NM_001170535.3 (MANE Select); coding-DNA position 1416, C replaced by G.
Protein change: p.His472Gln; replaces histidine 472 with glutamine.
Molecular consequence: missense variant.
Genome position (GRCh38, 1-based): chr1:1,527,773, C>G. VCF-style: chr1-1527773-C-G. GRCh37 (hg19) VCF-style: chr1-1463153-C-G.
Other names: c.1179C>G, p.His393Gln (NM_001170536.3); c.1560C>G, p.His520Gln (NM_018188.5); short protein forms H393Q, H472Q, H520Q.
Identifiers: ClinVar variation 3239422 (VCV003239422.19), dbSNP rs749220988.

ClinVar aggregate classification (germline): Uncertain significance (1 of 4 stars; one submission).

gnomAD v4.1: 1 of 1,613,982 alleles (0.000062%); no homozygotes.

Submission:

CeGaT Center for Human Genetics Tuebingen
Classification: Uncertain significance. Last evaluated: 2024-05-01. Review status: criteria provided, single submitter. Criteria: CeGaT Center For Human Genetics Tuebingen Variant Classification Criteria Version 2. Collection method: clinical testing. Allele origin: germline. Affected: yes. Observed: 1 variant allele.
Comment: ATAD3A: PM2, BP4